The following is an entry in ClinVar:

ClinVar aggregate classification (germline): Likely benign (1 of 4 stars; one submission).

Allele frequency attached by ClinVar (database versions not stated): gnomAD exomes below 0.00001.
gnomAD v4.1: 3 of 1,542,958 alleles (0.00019%); highest among the groups gnomAD compares: Non-Finnish European, 0.00026%; no homozygotes.

Submission:

CeGaT Center for Human Genetics Tuebingen
Classification: Likely benign. Last evaluated: 2022-05-01. Review status: criteria provided, single submitter. Criteria: CeGaT Center For Human Genetics Tuebingen Variant Classification Criteria Version 2. Collection method: clinical testing. Allele origin: germline. Affected: yes. Observed: 1 variant allele.
Comment: MAFB: PM2:Supporting, BP4, BP7

NM_005461.5(MAFB):c.570C>G (p.Pro190=)

Gene: MAFB (MAF bZIP transcription factor B; minus strand). Cytogenetic location: 20q12.
Variant type: single nucleotide variant.
Coding change: c.570C>G on transcript NM_005461.5 (MANE Select); coding-DNA position 570, C replaced by G.
Protein change: p.Pro190=; no amino-acid change (proline 190 retained).
Molecular consequence: synonymous variant.
Genome position (GRCh38, 1-based): chr20:40,688,281, G>C on the plus strand (C>G on the coding strand, the complement: MAFB is on the minus strand). VCF-style: chr20-40688281-G-C. GRCh37 (hg19) VCF-style: chr20-39316921-G-C.
Identifiers: ClinVar variation 2652323 (VCV002652323.24), dbSNP rs2515462925, ClinGen allele CA510757482.
Genomic context (GRCh38, chr20:40,688,281, plus strand): 5'-GCGGTCCTCCACGCTGCCGTTGCCGCCCGCCGCCGTCGCCGAGGCCGTCGCGTGCGGCCC[G>C]GGCCCGGGGTGGCTAGTGGGCAGCTGTTGCGCCGGGCTAGCGGCGCTGGACGGCGGCGGC-3'
Protein context (NP_005452.2, residues 180-200): AQQLPTSHPG[Pro190=]GPHATASATA